The following is an entry in ClinVar:

ClinVar aggregate classification (germline): Likely pathogenic (1 of 4 stars; one submission).

Submission:

Labcorp Genetics (formerly Invitae), Labcorp
Classification: Likely pathogenic. Last evaluated: 2025-09-30. Review status: criteria provided, single submitter. Criteria: Invitae Variant Classification Sherloc (09022015). Collection method: clinical testing. Allele origin: germline.
Comment: This sequence change affects a donor splice site in intron 11 of the TBCD gene. It is expected to disrupt RNA splicing. Variants that disrupt the donor or acceptor splice site typically lead to a loss of protein function (PMID: 16199547), and loss-of-function variants in TBCD are known to be pathogenic (PMID: 27666370, 27666374). This variant is not present in population databases (gnomAD no frequency). This variant has not been reported in the literature in individuals affected with TBCD-related conditions. Algorithms developed to predict the effect of sequence changes on RNA splicing suggest that this variant may disrupt the consensus splice site. In summary, the currently available evidence indicates that the variant is pathogenic, but additional data are needed to prove that conclusively. Therefore, this variant has been classified as Likely Pathogenic.

Literature cited by the submitters: PubMed 16199547; PubMed 27666370; PubMed 27666374.

NM_005993.5(TBCD):c.1148+1G>A

Gene: TBCD (tubulin folding cofactor D). Cytogenetic location: 17q25.3.
Variant type: single nucleotide variant.
Coding change: c.1148+1G>A on transcript NM_005993.5 (MANE Select); the canonical splice donor site of the intron after coding-DNA position 1148, G replaced by A.
Molecular consequence: splice donor variant.
Genome position (GRCh38, 1-based): chr17:82,807,669, G>A. VCF-style: chr17-82807669-G-A. GRCh37 (hg19) VCF-style: chr17-80765545-G-A.
Other names: c.1148+1G>A (NM_001411102.1, NM_001437989.1); c.1097+1G>A (NM_001411101.1); c.959+1G>A (NM_001438250.1).
Identifiers: ClinVar variation 4806187 (VCV004806187.1).